The following is an entry in ClinVar:

ClinVar aggregate classification (germline): Pathogenic/Likely pathogenic. Review status: criteria provided, multiple submitters, no conflicts (2 of 4 stars). 3 submissions from 3 submitters: Pathogenic (1); Likely pathogenic (1). 1 of the submissions does not count toward it. Last evaluated 2022-06-14.

Conditions:
Neurofibromatosis, type 1 (NF1). Also called: Neurofibromatosis, type I; NEUROFIBROMATOSIS, TYPE I, SOMATIC; Peripheral type neurofibromatosis; VON RECKLINGHAUSEN DISEASE. Identifiers: Orphanet 636, MedGen C0027831, MONDO:0018975, OMIM 162200. Disease mechanism: loss of function.

Submissions (3):

Labcorp Genetics (formerly Invitae), Labcorp
Classification: Pathogenic for Neurofibromatosis, type 1. Last evaluated: 2022-06-14. Review status: criteria provided, single submitter. Criteria: Invitae Variant Classification Sherloc (09022015). Collection method: clinical testing. Allele origin: germline.
Comment: This sequence change creates a premature translational stop signal (p.Leu204Profs*12) in the NF1 gene. It is expected to result in an absent or disrupted protein product. Loss-of-function variants in NF1 are known to be pathogenic (PMID: 10712197, 23913538). This variant is not present in population databases (gnomAD no frequency). This premature translational stop signal has been observed in individual(s) with neurofibromatosis type I (PMID: 28961165). ClinVar contains an entry for this variant (Variation ID: 431567). For these reasons, this variant has been classified as Pathogenic.

Genome Diagnostics Laboratory, The Hospital for Sick Children
Classification: Likely pathogenic for Neurofibromatosis, type 1. Last evaluated: 2020-10-26. Review status: criteria provided, single submitter. Criteria: ACMG Guidelines, 2015. Collection method: clinical testing. Allele origin: germline. Affected: yes.

Medical Genetics, University of Parma
Classification: Pathogenic for Neurofibromatosis type 1. Last evaluated: 2017-02-02. Review status: no assertion criteria provided. Collection method: clinical testing. Allele origin: germline. Affected: yes. Not counted in ClinVar's aggregate classification.

Literature cited by the submitters: PubMed 10712197 (cited by Labcorp Genetics (formerly Invitae), Labcorp); PubMed 23913538 (cited by Labcorp Genetics (formerly Invitae), Labcorp); PubMed 28961165 (cited by Labcorp Genetics (formerly Invitae), Labcorp).

NM_001042492.3(NF1):c.610dup (p.Leu204fs)

Gene: NF1 (neurofibromin 1; plus strand). Cytogenetic location: 17q11.2.
Variant type: Duplication.
Coding change: c.610dup on transcript NM_001042492.3 (MANE Select); coding-DNA position 610, one base duplicated (C; older notation c.610dupC).
Protein change: p.Leu204fs; shifts the reading frame from leucine 204.
Molecular consequence: frameshift variant.
Genome position (GRCh38, 1-based): chr17:31,181,445, C duplicated; the last of 3 consecutive C bases (chr17:31,181,443-31,181,445); duplicating any one gives the same sequence. VCF-style (leftmost placement, unchanged base first): chr17-31181442-G-GC. GRCh37 (hg19) VCF-style: chr17-29508460-G-GC.
Other names: c.610dupC (NM_000267.3); c.610dup, p.Leu204Profs (NM_000267.4); c.610dup, p.Leu204fs (NM_001128147.3); short protein forms L204fs.
Identifiers: ClinVar variation 431567 (VCV000431567.8), dbSNP rs1135402793, ClinGen allele CA645372611.